The following is an entry in ClinVar:

NM_004991.4(MECOM):c.330G>A (p.Val110=)

Gene: MECOM (MDS1 and EVI1 complex locus; minus strand). Cytogenetic location: 3q26.2.
Variant type: single nucleotide variant.
Coding change: c.330G>A on transcript NM_004991.4 (MANE Select); coding-DNA position 330, G replaced by A.
Protein change: p.Val110=; no amino-acid change (valine 110 retained).
Molecular consequence: synonymous variant. On other transcripts: intron variant (1).
Genome position (GRCh38, 1-based): chr3:169,381,232, C>T on the plus strand (G>A on the coding strand, the complement: MECOM is on the minus strand). VCF-style: chr3-169381232-C-T. GRCh37 (hg19) VCF-style: chr3-169099020-C-T.
Other names: c.330G>A, p.Val110= (NM_001366466.2, NM_001366473.2); c.-189-237400G>A (NM_001205194.2).
Identifiers: ClinVar variation 2672967 (VCV002672967.23), dbSNP rs997035499, ClinGen allele CA87984235.

ClinVar aggregate classification (germline): Likely benign (1 of 4 stars; one submission).

Allele frequency attached by ClinVar (database versions not stated): gnomAD exomes 0.00001; gnomAD 0.00006; TOPMed 0.00006.
gnomAD v4.1: 23 of 1,613,034 alleles (0.0014%); highest among the groups gnomAD compares: African/African-American, 0.027%; no homozygotes.

Submission:

CeGaT Center for Human Genetics Tuebingen
Classification: Likely benign. Last evaluated: 2023-11-01. Review status: criteria provided, single submitter. Criteria: CeGaT Center For Human Genetics Tuebingen Variant Classification Criteria Version 2. Collection method: clinical testing. Allele origin: germline. Affected: yes. Observed: 1 variant allele.
Comment: MECOM: BP4, BP7